The following is an entry in ClinVar:

ClinVar aggregate classification (germline): Uncertain significance (1 of 4 stars; one submission).

Conditions:
Charcot-Marie-Tooth disease axonal type 2C (HMSN2C). Also called: Charcot-Marie-Tooth Disease Type 2, TRPV4-Related (CMT2C); CHARCOT-MARIE-TOOTH DISEASE, AXONAL, AUTOSOMAL DOMINANT, TYPE 2C; Charcot-Marie-Tooth Neuropathy Type 2C. Identifiers: Orphanet 99937, MedGen C1853710, MONDO:0011633, OMIM 606071.

Submission:

Labcorp Genetics (formerly Invitae), Labcorp
Classification: Uncertain significance for Charcot-Marie-Tooth disease axonal type 2C. Last evaluated: 2022-09-24. Review status: criteria provided, single submitter. Criteria: Invitae Variant Classification Sherloc (09022015). Collection method: clinical testing. Allele origin: germline.
Comment: This sequence change replaces valine, which is neutral and non-polar, with alanine, which is neutral and non-polar, at codon 475 of the TRPV4 protein (p.Val475Ala). This variant is not present in population databases (gnomAD no frequency). This variant has not been reported in the literature in individuals affected with TRPV4-related conditions. Advanced modeling of protein sequence and biophysical properties (such as structural, functional, and spatial information, amino acid conservation, physicochemical variation, residue mobility, and thermodynamic stability) performed at Invitae indicates that this missense variant is not expected to disrupt TRPV4 protein function. In summary, the available evidence is currently insufficient to determine the role of this variant in disease. Therefore, it has been classified as a Variant of Uncertain Significance.

NM_021625.5(TRPV4):c.1424T>C (p.Val475Ala)

Gene: TRPV4 (transient receptor potential cation channel subfamily V member 4; minus strand). Cytogenetic location: 12q24.11.
Variant type: single nucleotide variant.
Coding change: c.1424T>C on transcript NM_021625.5 (MANE Select); coding-DNA position 1424, T replaced by C.
Protein change: p.Val475Ala; replaces valine 475 with alanine.
Molecular consequence: missense variant.
Genome position (GRCh38, 1-based): chr12:109,794,396, A>G on the plus strand (T>C on the coding strand, the complement: TRPV4 is on the minus strand). VCF-style: chr12-109794396-A-G. GRCh37 (hg19) VCF-style: chr12-110232201-A-G.
Other names: c.1283T>C, p.Val428Ala (NM_001177428.2); c.1322T>C, p.Val441Ala (NM_001177431.2); c.1103T>C, p.Val368Ala (NM_001177433.2); c.1244T>C, p.Val415Ala (NM_147204.3); short protein forms V368A, V428A, V441A, V475A, V415A.
Identifiers: ClinVar variation 2119433 (VCV002119433.4), dbSNP rs2548732067, ClinGen allele CA386653018.
Genomic context (GRCh38, chr12:109,794,396, plus strand): 5'-TCCAGCGGCTGGTAGTAGGCGGTGAGAGTGAAGATGACCATGGCACACAGGTAGGAGACC[A>G]CGTTGATGTAGAAGGAGACGGCCCCGAACTTGCGCCACTTGTCCCGCAGCAGTTCATTGA-3'
Protein context (NP_067638.3, residues 465-485): KFGAVSFYIN[Val475Ala]VSYLCAMVIF